The following is an entry in ClinVar:

ClinVar aggregate classification (germline): Uncertain significance. Review status: criteria provided, multiple submitters, no conflicts (2 of 4 stars). 3 submissions from 3 submitters: Uncertain significance (3). Last evaluated 2023-01-31.

Conditions:
Inborn genetic diseases. Identifiers: MedGen C0950123, MeSH D030342.
Multiple congenital exostosis (EXT). Also called: MULTIPLE CARTILAGINOUS EXOSTOSES; Multiple exostoses; Hereditary multiple osteochondromas; Hereditary multiple exostoses; Hereditary multiple exostosis; Multiple osteochondromas. Identifiers: Orphanet 321, MedGen C0015306, MONDO:0005508, HP:0002762.

Allele frequency attached by ClinVar (database versions not stated): gnomAD exomes 0.00001.
gnomAD v4.1: 5 of 1,614,206 alleles (0.00031%); highest among the groups gnomAD compares: Non-Finnish European, 0.00042%; no homozygotes.

Submissions (3):

Ambry Genetics
Classification: Uncertain significance for Inborn genetic diseases. Last evaluated: 2023-01-31. Review status: criteria provided, single submitter. Criteria: Ambry Variant Classification Scheme 2023. Collection method: clinical testing. Allele origin: germline.

Labcorp Genetics (formerly Invitae), Labcorp
Classification: Uncertain significance for Multiple congenital exostosis. Last evaluated: 2021-11-25. Review status: criteria provided, single submitter. Criteria: Invitae Variant Classification Sherloc (09022015). Collection method: clinical testing. Allele origin: germline.
Comment: This sequence change replaces serine, which is neutral and polar, with cysteine, which is neutral and slightly polar, at codon 720 of the EXT1 protein (p.Ser720Cys). In summary, the available evidence is currently insufficient to determine the role of this variant in disease. Therefore, it has been classified as a Variant of Uncertain Significance. Advanced modeling of protein sequence and biophysical properties (such as structural, functional, and spatial information, amino acid conservation, physicochemical variation, residue mobility, and thermodynamic stability) performed at Invitae indicates that this missense variant is expected to disrupt EXT1 protein function. ClinVar contains an entry for this variant (Variation ID: 912088). This variant has not been reported in the literature in individuals affected with EXT1-related conditions. This variant is present in population databases (no rsID available, gnomAD 0.002%).

Illumina Laboratory Services, Illumina
Classification: Uncertain significance for Exostoses, multiple, type 1. Last evaluated: 2018-01-12. Review status: criteria provided, single submitter. Criteria: ICSL Variant Classification Criteria 13 December 2019. Collection method: clinical testing. Allele origin: germline.

NM_000127.3(EXT1):c.2159C>G (p.Ser720Cys)

Gene: EXT1 (exostosin glycosyltransferase 1; minus strand). Cytogenetic location: 8q24.11.
Variant type: single nucleotide variant.
Coding change: c.2159C>G on transcript NM_000127.3 (MANE Select); coding-DNA position 2159, C replaced by G.
Protein change: p.Ser720Cys; replaces serine 720 with cysteine.
Molecular consequence: missense variant.
Genome position (GRCh38, 1-based): chr8:117,799,794, G>C on the plus strand (C>G on the coding strand, the complement: EXT1 is on the minus strand). VCF-style: chr8-117799794-G-C. GRCh37 (hg19) VCF-style: chr8-118812033-G-C.
Other names: short protein forms S720C.
Identifiers: ClinVar variation 912088 (VCV000912088.12), dbSNP rs1373349863, ClinGen allele CA371889904.